The following is an entry in ClinVar:

ClinVar aggregate classification (germline): Likely pathogenic (1 of 4 stars; one submission).

Conditions:
Glycogen storage disease, type IV (GSD4). Also called: AMYLOPECTINOSIS; ANDERSEN DISEASE; BRANCHER DEFICIENCY; CIRRHOSIS, FAMILIAL, WITH DEPOSITION OF ABNORMAL GLYCOGEN; GBE1 DEFICIENCY; GLYCOGEN BRANCHING ENZYME DEFICIENCY. Identifiers: Orphanet 367, MedGen C0017923, MONDO:0009292, OMIM 232500.
Glycogen storage disease IV, classic hepatic. Also called: GSD IV, CLASSIC HEPATIC. Identifiers: MedGen C1856301.

Allele frequency attached by ClinVar (database versions not stated): gnomAD exomes 0.00001.
gnomAD v4.1: 8 of 1,605,364 alleles (0.0005%); highest among the groups gnomAD compares: Admixed American, 0.0017%; no homozygotes.

Submission:

Labcorp Genetics (formerly Invitae), Labcorp
Classification: Likely pathogenic for Glycogen storage disease, type IV; Glycogen storage disease IV, classic hepatic. Last evaluated: 2023-05-02. Review status: criteria provided, single submitter. Criteria: Invitae Variant Classification Sherloc (09022015). Collection method: clinical testing. Allele origin: germline.
Comment: In summary, the currently available evidence indicates that the variant is pathogenic, but additional data are needed to prove that conclusively. Therefore, this variant has been classified as Likely Pathogenic. This variant disrupts the p.Gly264 amino acid residue in GBE1. Other variant(s) that disrupt this residue have been determined to be pathogenic (PMID: 20479904, 30345254). This suggests that this residue is clinically significant, and that variants that disrupt this residue are likely to be disease-causing. Advanced modeling of protein sequence and biophysical properties (such as structural, functional, and spatial information, amino acid conservation, physicochemical variation, residue mobility, and thermodynamic stability) performed at Invitae indicates that this missense variant is expected to disrupt GBE1 protein function. This variant has not been reported in the literature in individuals affected with GBE1-related conditions. This variant is present in population databases (no rsID available, gnomAD 0.003%). This sequence change replaces glycine, which is neutral and non-polar, with arginine, which is basic and polar, at codon 264 of the GBE1 protein (p.Gly264Arg).

Literature cited by the submitters: PubMed 20479904; PubMed 30345254.

NM_000158.4(GBE1):c.790G>A (p.Gly264Arg)

Gene: GBE1 (1,4-alpha-glucan branching enzyme 1; minus strand). Cytogenetic location: 3p12.2.
Variant type: single nucleotide variant.
Coding change: c.790G>A on transcript NM_000158.4 (MANE Select); coding-DNA position 790, G replaced by A.
Protein change: p.Gly264Arg; replaces glycine 264 with arginine.
Molecular consequence: missense variant.
Genome position (GRCh38, 1-based): chr3:81,642,983, C>T on the plus strand (G>A on the coding strand, the complement: GBE1 is on the minus strand). VCF-style: chr3-81642983-C-T. GRCh37 (hg19) VCF-style: chr3-81692134-C-T.
Other names: short protein forms G264R.
Identifiers: ClinVar variation 2934920 (VCV002934920.3), dbSNP rs1300268316, ClinGen allele CA353687574.
Genomic context (GRCh38, chr3:81,642,983, plus strand): 5'-GGACTATGATACCCATGGAATGAGCTGTGTCTACCAGTTCTTGTAGCTCTTCAGGTGTTC[C>T]ATAACGGCTAACAATGAAGAACACAGCAAAAAGAAGATTACATCACATTTAGAGGAAACA-3'
Protein context (NP_000149.4, residues 254-274): TSFFAASSRY[Gly264Arg]TPEELQELVD